The following is an entry in ClinVar:

NM_004946.3(DOCK2):c.5166G>A (p.Arg1722=)

Gene: DOCK2 (dedicator of cytokinesis 2; plus strand). Cytogenetic location: 5q35.1.
Variant type: single nucleotide variant.
Coding change: c.5166G>A on transcript NM_004946.3 (MANE Select); coding-DNA position 5166, G replaced by A.
Protein change: p.Arg1722=; no amino-acid change (arginine 1722 retained).
Molecular consequence: synonymous variant. On other transcripts: non-coding transcript variant (1).
Genome position (GRCh38, 1-based): chr5:170,079,146, G>A. VCF-style: chr5-170079146-G-A. GRCh37 (hg19) VCF-style: chr5-169506150-G-A.
Identifiers: ClinVar variation 1028825 (VCV001028825.1), dbSNP rs774905346, ClinGen allele CA3554778.

ClinVar aggregate classification (germline): Uncertain significance (1 of 4 stars; one submission).

Conditions:
DOCK2 deficiency. Also called: Immunodeficiency 40. Identifiers: Orphanet 447737, MedGen C4225328, MONDO:0014637, OMIM 616433.

Allele frequency attached by ClinVar (database versions not stated): TOPMed below 0.00001; ExAC 0.00001.
gnomAD v4.1: 4 of 1,612,912 alleles (0.00025%); highest among the groups gnomAD compares: Non-Finnish European, 0.00034%; no homozygotes.

Submission:

Baylor Genetics
Classification: Uncertain significance for DOCK2 deficiency. Last evaluated: 2019-07-10. Review status: criteria provided, single submitter. Criteria: ACMG Guidelines, 2015. Collection method: clinical testing. Allele origin: unknown. Affected: yes.
Comment: This variant was determined to be of uncertain significance according to ACMG Guidelines, 2015 [PMID:25741868].